The following is an entry in ClinVar:

ClinVar aggregate classification (germline): Uncertain significance. Review status: criteria provided, multiple submitters, no conflicts (2 of 4 stars). 3 submissions from 3 submitters: Uncertain significance (3). Last evaluated 2024-11-11.

Allele frequency attached by ClinVar (database versions not stated): ExAC 0.00003; gnomAD exomes 0.00003 and 0.00008; gnomAD 0.00004; TOPMed 0.00004; ESP Exome Variant Server 0.00008; 1000 Genomes Project 30x 0.00016; 1000 Genomes Project 0.00020.
gnomAD v4.1: 114 of 1,614,202 alleles (0.0071%); highest among the groups gnomAD compares: Admixed American, 0.012%; no homozygotes.

Submissions (3):

Ambry Genetics
Classification: Uncertain significance. Last evaluated: 2024-11-11. Review status: criteria provided, single submitter. Criteria: Ambry Variant Classification Scheme 2023. Collection method: clinical testing. Allele origin: germline.

Blueprint Genetics
Classification: Uncertain significance. Last evaluated: 2024-08-02. Review status: criteria provided, single submitter. Criteria: ACMG Guidelines, 2015. Collection method: clinical testing. Allele origin: germline.

Labcorp Genetics (formerly Invitae), Labcorp
Classification: Uncertain significance. Last evaluated: 2022-08-17. Review status: criteria provided, single submitter. Criteria: Invitae Variant Classification Sherloc (09022015). Collection method: clinical testing. Allele origin: germline.
Comment: In summary, the available evidence is currently insufficient to determine the role of this variant in disease. Therefore, it has been classified as a Variant of Uncertain Significance. Algorithms developed to predict the effect of missense changes on protein structure and function are either unavailable or do not agree on the potential impact of this missense change (SIFT: "Deleterious"; PolyPhen-2: "Benign"; Align-GVGD: "Class C0"). ClinVar contains an entry for this variant (Variation ID: 1447137). This variant has not been reported in the literature in individuals affected with DHX38-related conditions. This variant is present in population databases (rs184511349, gnomAD 0.01%). This sequence change replaces aspartic acid, which is acidic and polar, with asparagine, which is neutral and polar, at codon 67 of the DHX38 protein (p.Asp67Asn).

NM_014003.4(DHX38):c.199G>A (p.Asp67Asn)

Gene: DHX38 (DEAH-box helicase 38; plus strand). Cytogenetic location: 16q22.2.
Variant type: single nucleotide variant.
Coding change: c.199G>A on transcript NM_014003.4 (MANE Select); coding-DNA position 199, G replaced by A.
Protein change: p.Asp67Asn; replaces aspartic acid 67 with asparagine.
Molecular consequence: missense variant.
Genome position (GRCh38, 1-based): chr16:72,096,356, G>A. VCF-style: chr16-72096356-G-A. GRCh37 (hg19) VCF-style: chr16-72130255-G-A.
Other names: c.199G>A (NM_014003.3); short protein forms D67N.
Identifiers: ClinVar variation 1447137 (VCV001447137.8), dbSNP rs184511349, ClinGen allele CA8159893.